The following is an entry in ClinVar:

NM_001042492.3(NF1):c.1846-2A>G

Gene: NF1 (neurofibromin 1; plus strand). Cytogenetic location: 17q11.2.
Variant type: single nucleotide variant.
Coding change: c.1846-2A>G on transcript NM_001042492.3 (MANE Select); the canonical splice acceptor site of the intron before coding-DNA position 1846, A replaced by G.
Molecular consequence: splice acceptor variant.
Genome position (GRCh38, 1-based): chr17:31,225,093, A>G. VCF-style: chr17-31225093-A-G. GRCh37 (hg19) VCF-style: chr17-29552111-A-G.
Other names: c.1846-2A>G (NM_000267.4).
Identifiers: ClinVar variation 571696 (VCV000571696.9), dbSNP rs1567846609, ClinGen allele CA399004993.

ClinVar aggregate classification (germline): Uncertain significance. Review status: criteria provided, multiple submitters, no conflicts (2 of 4 stars). 2 submissions from 2 submitters: Uncertain significance (2). Last evaluated 2025-08-20.

Conditions:
Neurofibromatosis, type 1 (NF1). Also called: Peripheral type neurofibromatosis; VON RECKLINGHAUSEN DISEASE; Neurofibromatosis, type I; NEUROFIBROMATOSIS, TYPE I, SOMATIC. Identifiers: Orphanet 636, MedGen C0027831, MONDO:0018975, OMIM 162200. Disease mechanism: loss of function.
Cardiovascular phenotype. Identifiers: MedGen CN230736.
Hereditary cancer-predisposing syndrome. Also called: Hereditary neoplastic syndrome; Neoplastic Syndromes, Hereditary; Hereditary Cancer Syndrome; Tumor predisposition. Identifiers: Orphanet 140162, MedGen C0027672, MeSH D009386, MONDO:0015356.

Allele frequency attached by ClinVar (database versions not stated): gnomAD exomes below 0.00001.
gnomAD v4.1: 5 of 1,613,398 alleles (0.00031%); highest among the groups gnomAD compares: Non-Finnish European, 0.00042%; no homozygotes.

Submissions (2):

Ambry Genetics
Classification: Uncertain significance for Cardiovascular phenotype; Hereditary cancer-predisposing syndrome. Last evaluated: 2025-08-20. Review status: criteria provided, single submitter. Criteria: Ambry Variant Classification Scheme 2023. Collection method: clinical testing. Allele origin: germline.
Comment: The c.1846-2A>G intronic variant results from an A to G substitution two nucleotides upstream from coding exon 17 in the NF1 gene. In silico splice site analysis predicts that this alteration will weaken the native splice acceptor site and will result in the creation or strengthening of a novel splice acceptor site. RNA studies have demonstrated that this alteration results in a transcript predicted to lead to a protein with an in-frame deletion of one amino acid; however, the exact functional impact of the deleted amino acid is unknown at this time (Ambry internal data). Based on the available evidence, the clinical significance of this variant remains unclear

Labcorp Genetics (formerly Invitae), Labcorp
Classification: Uncertain significance for Neurofibromatosis, type 1. Last evaluated: 2023-12-05. Review status: criteria provided, single submitter. Criteria: Invitae Variant Classification Sherloc (09022015). Collection method: clinical testing. Allele origin: germline.
Comment: This sequence change affects an acceptor splice site in intron 16 of the NF1 gene. It is expected to disrupt RNA splicing. Variants that disrupt the donor or acceptor splice site typically lead to a loss of protein function (PMID: 16199547), and loss-of-function variants in NF1 are known to be pathogenic (PMID: 10712197, 23913538). This variant is not present in population databases (gnomAD no frequency). This variant has not been reported in the literature in individuals affected with NF1-related conditions. ClinVar contains an entry for this variant (Variation ID: 571696). Algorithms developed to predict the effect of sequence changes on RNA splicing suggest that this variant may disrupt the consensus splice site. In summary, the available evidence is currently insufficient to determine the role of this variant in disease. Therefore, it has been classified as a Variant of Uncertain Significance.

Literature cited by the submitters: PubMed 16199547 (cited by Labcorp Genetics (formerly Invitae), Labcorp); PubMed 10712197 (cited by Labcorp Genetics (formerly Invitae), Labcorp); PubMed 23913538 (cited by Labcorp Genetics (formerly Invitae), Labcorp).